The following is an entry in ClinVar:

ClinVar aggregate classification (germline): Conflicting classifications of pathogenicity. Review status: criteria provided, conflicting classifications (1 of 4 stars). 3 submissions from 3 submitters: Likely pathogenic (1); Uncertain significance (2). Last evaluated 2025-02-03.

Conditions:
KCNT2-related disorder. Also called: KCNT2-related condition. Identifiers: MedGen CN236796.
Developmental and epileptic encephalopathy, 57. Also called: EPILEPTIC ENCEPHALOPATHY, EARLY INFANTILE, 57. Identifiers: MedGen C4540411, MONDO:0033366, OMIM 617771.

gnomAD v4.1: 5 of 1,613,786 alleles (0.00031%); highest among the groups gnomAD compares: Non-Finnish European, 0.00042%; no homozygotes.

Submissions (3):

PreventionGenetics, part of Exact Sciences
Classification: Uncertain significance for KCNT2-related condition. Last evaluated: 2025-02-03. Review status: criteria provided, single submitter. Criteria: ACMG Guidelines, 2015. Collection method: clinical testing. Allele origin: germline.
Comment: The KCNT2 c.3055C>T variant is predicted to result in premature protein termination (p.Arg1019*). To our knowledge, this variant has not been reported in the literature or in a large population database (gnomAD), indicating this variant is rare. Although we suspect that this variant may be pathogenic, at this time, the clinical significance of this variant is uncertain due to the absence of conclusive functional and genetic evidence.

Laboratorio de Genetica e Diagnostico Molecular, Hospital Israelita Albert Einstein
Classification: Uncertain significance for Developmental and epileptic encephalopathy, 57. Last evaluated: 2024-10-11. Review status: criteria provided, single submitter. Criteria: ACMG Guidelines, 2015. Collection method: clinical testing. Allele origin: germline. Affected: yes.
Comment: ACMG classification criteria: PVS1 strong, PM2 supporting

3billion
Classification: Likely pathogenic for Developmental and epileptic encephalopathy, 57. Last evaluated: 2023-02-23. Review status: criteria provided, single submitter. Criteria: ACMG Guidelines, 2015. Collection method: clinical testing. Allele origin: unknown. Affected: yes.
Comment: The variant is not observed in the gnomAD v2.1.1 dataset. This variant was predicted to result in a loss or disruption of normal protein function through nonsense-mediated decay (NMD) or protein truncation. Therefore, this variant is classified as Likely pathogenic according to the recommendation of ACMG/AMP guideline.

NM_198503.5(KCNT2):c.3055C>T (p.Arg1019Ter)

Gene: KCNT2 (potassium sodium-activated channel subfamily T member 2; minus strand). Cytogenetic location: 1q31.3.
Variant type: single nucleotide variant.
Coding change: c.3055C>T on transcript NM_198503.5 (MANE Select); coding-DNA position 3055, C replaced by T.
Protein change: p.Arg1019Ter; replaces arginine 1019 with a stop codon.
Molecular consequence: nonsense. On other transcripts: non-coding transcript variant (2).
Genome position (GRCh38, 1-based): chr1:196,258,350, G>A on the plus strand (C>T on the coding strand, the complement: KCNT2 is on the minus strand). VCF-style: chr1-196258350-G-A. GRCh37 (hg19) VCF-style: chr1-196227480-G-A.
Other names: c.3055C>T (NM_198503.3); c.2983C>T, p.Arg995Ter (NM_001287819.3); c.2854C>T, p.Arg952Ter (NM_001287820.3); short protein forms R1019*, R952*, R995*.
Identifiers: ClinVar variation 2444068 (VCV002444068.3), dbSNP rs1035700995, ClinGen allele CA35795473.